The following is an entry in ClinVar:

NM_001375524.1(TRRAP):c.5498A>G (p.Asp1833Gly)

Gene: TRRAP (transformation/transcription domain associated protein; plus strand). Cytogenetic location: 7q22.1.
Variant type: single nucleotide variant.
Coding change: c.5498A>G on transcript NM_001375524.1 (MANE Select); coding-DNA position 5498, A replaced by G.
Protein change: p.Asp1833Gly; replaces aspartic acid 1833 with glycine.
Molecular consequence: missense variant.
Genome position (GRCh38, 1-based): chr7:98,953,201, A>G. VCF-style: chr7-98953201-A-G. GRCh37 (hg19) VCF-style: chr7-98550824-A-G.
Other names: c.5477A>G, p.Asp1826Gly (NM_001244580.2); c.5423A>G, p.Asp1808Gly (NM_003496.4); short protein forms D1808G, D1826G, D1833G.
Identifiers: ClinVar variation 1312743 (VCV001312743.5), dbSNP rs1474271397, ClinGen allele CA368319908.

ClinVar aggregate classification (germline): Uncertain significance. Review status: criteria provided, multiple submitters, no conflicts (2 of 4 stars). 2 submissions from 2 submitters: Uncertain significance (2). Last evaluated 2024-11-02.

Conditions:
TRRAP-related disorder. Also called: TRRAP-related condition.

Allele frequency attached by ClinVar (database versions not stated): TOPMed below 0.00001.

Submissions (2):

PreventionGenetics, part of Exact Sciences
Classification: Uncertain significance for TRRAP-related condition. Last evaluated: 2024-11-02. Review status: criteria provided, single submitter. Criteria: ACMG Guidelines, 2015. Collection method: clinical testing. Allele origin: germline.
Comment: The TRRAP c.5423A>G variant is predicted to result in the amino acid substitution p.Asp1808Gly. To our knowledge, this variant has not been reported in the literature or in a large population database (gnomAD), indicating this variant is rare. At this time, the clinical significance of this variant is uncertain due to the absence of conclusive functional and genetic evidence.

GeneDx
Classification: Uncertain significance. Last evaluated: 2020-06-30. Review status: criteria provided, single submitter. Criteria: GeneDx Variant Classification Process June 2021. Collection method: clinical testing. Allele origin: germline. Affected: yes.
Comment: Not observed in large population cohorts (Lek et al., 2016); In silico analysis supports that this missense variant has a deleterious effect on protein structure/function; Has not been previously published as pathogenic or benign to our knowledge